The following is an entry in ClinVar:

NM_004260.4(RECQL4):c.2294T>C (p.Leu765Ser)

Gene: RECQL4 (RecQ like helicase 4; minus strand). Cytogenetic location: 8q24.3.
Variant type: single nucleotide variant.
Coding change: c.2294T>C on transcript NM_004260.4 (MANE Select); coding-DNA position 2294, T replaced by C.
Protein change: p.Leu765Ser; replaces leucine 765 with serine.
Molecular consequence: missense variant. On other transcripts: non-coding transcript variant (3), intron variant (3).
Genome position (GRCh38, 1-based): chr8:144,513,387, A>G on the plus strand (T>C on the coding strand, the complement: RECQL4 is on the minus strand). VCF-style: chr8-144513387-A-G. GRCh37 (hg19) VCF-style: chr8-145738771-A-G.
Other names: c.2294T>C, p.Leu765Ser (NM_001413019.1, NM_001413036.1); c.2198T>C, p.Leu733Ser (NM_001413020.1); c.1223T>C, p.Leu408Ser (NM_001413021.1, NM_001413022.1, NM_001413023.1 and 5 more transcripts); c.2165T>C, p.Leu722Ser (NM_001413025.1); c.1157T>C, p.Leu386Ser (NM_001413027.1, NM_001413030.1, NM_001413032.1 and 1 more transcripts); c.1943T>C, p.Leu648Ser (NM_001413029.1); c.1025T>C, p.Leu342Ser (NM_001413031.1); c.2162T>C, p.Leu721Ser (NM_001413033.1); and 7 more; short protein forms L276S, L648S, L342S, L733S, L765S, L364S, L386S, L398S.
Identifiers: ClinVar variation 3431898 (VCV003431898.1).

ClinVar aggregate classification (germline): Uncertain significance (1 of 4 stars; one submission).

Conditions:
Inborn genetic diseases. Identifiers: MedGen C0950123, MeSH D030342.

Submission:

Ambry Genetics
Classification: Uncertain significance for Inborn genetic diseases. Last evaluated: 2024-11-30. Review status: criteria provided, single submitter. Criteria: Ambry Variant Classification Scheme 2023. Collection method: clinical testing. Allele origin: germline.
Comment: The p.L765S variant (also known as c.2294T>C), located in coding exon 14 of the RECQL4 gene, results from a T to C substitution at nucleotide position 2294. The leucine at codon 765 is replaced by serine, an amino acid with dissimilar properties. This amino acid position is conserved. In addition, this alteration is predicted to be deleterious by in silico analysis. Based on the available evidence, the clinical significance of this variant remains unclear.